The following is an entry in ClinVar:

ClinVar aggregate classification (germline): Likely benign. Review status: criteria provided, single submitter (1 of 4 stars). 2 submissions from 2 submitters: Likely benign (1). 1 of the submissions does not count toward it. Last evaluated 2024-10-08.

Conditions:
NUP155-related disorder. Also called: NUP155-related condition.

gnomAD v4.1: 962 of 1,614,158 alleles (0.06%); highest among the groups gnomAD compares: African/African-American, 1.1%; 6 homozygotes.

Submissions (2):

Blueprint Genetics
Classification: Likely benign. Last evaluated: 2024-10-08. Review status: criteria provided, single submitter. Criteria: ACMG Guidelines, 2015. Collection method: clinical testing. Allele origin: germline.

PreventionGenetics, part of Exact Sciences
Classification: Benign for NUP155-related condition. Last evaluated: 2024-06-16. Review status: no assertion criteria provided. Collection method: clinical testing. Allele origin: germline. Not counted in ClinVar's aggregate classification.
Comment: This variant is classified as benign based on ACMG/AMP sequence variant interpretation guidelines (Richards et al. 2015 PMID: 25741868, with internal and published modifications).

NM_153485.3(NUP155):c.44C>T (p.Ser15Phe)

Gene: NUP155 (nucleoporin 155; minus strand). Cytogenetic location: 5p13.2.
Variant type: single nucleotide variant.
Coding change: c.44C>T on transcript NM_153485.3 (MANE Select); coding-DNA position 44, C replaced by T.
Protein change: p.Ser15Phe; replaces serine 15 with phenylalanine.
Molecular consequence: missense variant. On other transcripts: 5 prime UTR variant (1).
Genome position (GRCh38, 1-based): chr5:37,370,934, G>A on the plus strand (C>T on the coding strand, the complement: NUP155 is on the minus strand). VCF-style: chr5-37370934-G-A. GRCh37 (hg19) VCF-style: chr5-37371036-G-A.
Other names: c.44C>T, p.Ser15Phe (NM_001278312.2); c.-289C>T (NM_004298.4); short protein forms S15F.
Identifiers: ClinVar variation 3352621 (VCV003352621.2).